The following is an entry in ClinVar:

NM_001267550.2(TTN):c.75977A>G (p.Glu25326Gly)

Genes: TTN (titin; minus strand), TTN-AS1 (TTN antisense RNA 1; plus strand). Cytogenetic location: 2q31.2.
Variant type: single nucleotide variant.
Coding change: c.75977A>G on transcript NM_001267550.2 (MANE Select); coding-DNA position 75977, A replaced by G.
Protein change: p.Glu25326Gly; replaces glutamic acid 25326 with glycine.
Molecular consequence: missense variant.
Genome position (GRCh38, 1-based): chr2:178,570,155, T>C on the plus strand (A>G on the coding strand, the complement: TTN is on the minus strand). VCF-style: chr2-178570155-T-C. GRCh37 (hg19) VCF-style: chr2-179434882-T-C.
Other names: c.71054A>G, p.Glu23685Gly (NM_001256850.1); c.48782A>G, p.Glu16261Gly (NM_003319.4); c.68273A>G, p.Glu22758Gly (NM_133378.4); c.49157A>G, p.Glu16386Gly (NM_133432.3); c.49358A>G, p.Glu16453Gly (NM_133437.4); short protein forms E16261G, E23685G, E25326G, E16453G, E16386G, E22758G.
Identifiers: ClinVar variation 894582 (VCV000894582.8), dbSNP rs767430531, ClinGen allele CA60994565.
Genomic context (GRCh38, chr2:178,570,155, plus strand): 5'-TTATCCCGTTTCTCAAGAACATATCCAAGAATTTCACTACCACCATCAGATGCTGGTCTT[T>C]CCCATACAACAATCATTGAGTCCTTGGTCACTGTTGTGACTTCTGGAGCTTTTGGTGCAT-3'
Protein context (NP_001254479.2, residues 25316-25336): VTKDSMIVVW[Glu25326Gly]RPASDGGSEI

ClinVar aggregate classification (germline): Uncertain significance. Review status: criteria provided, multiple submitters, no conflicts (2 of 4 stars). 8 submissions from 4 submitters: Uncertain significance (8). Last evaluated 2026-07-24.

Conditions:
Early-onset myopathy with fatal cardiomyopathy (CMYO5). Also called: CONGENITAL MYOPATHY 5 WITH CARDIOMYOPATHY; Salih Myopathy. Identifiers: Orphanet 289377, MedGen C2673677, MONDO:0012714, OMIM 611705. Disease mechanism: loss of function.
Myopathy, myofibrillar, 9, with early respiratory failure (MFM9). Also called: Myopathy, distal, with early respiratory failure, autosomal dominant; Hereditary myopathy with early respiratory failure; EDSTROM MYOPATHY; MYOPATHY, PROXIMAL, WITH EARLY RESPIRATORY MUSCLE INVOLVEMENT. Identifiers: Orphanet 178464, Orphanet 34521, MedGen C1863599, MONDO:0011362, OMIM 603689.
TTN-related disorder. Also called: TTN-related condition; TTN-related disease; TTN-related disorders.
Autosomal recessive limb-girdle muscular dystrophy type 2J (LGMDR10). Also called: MUSCULAR DYSTROPHY, LIMB-GIRDLE, AUTOSOMAL RECESSIVE 10; Limb-girdle muscular dystrophy, type 2J. Identifiers: Orphanet 140922, MedGen C1837342, MONDO:0012127, OMIM 608807.
Tibial muscular dystrophy (TMD). Also called: UDD MYOPATHY; Udd Distal Myopathy – Tibial Muscular Dystrophy; Tibial muscular dystrophy, tardive. Identifiers: Orphanet 609, MedGen C1838244, MONDO:0010870, OMIM 600334.
Dilated cardiomyopathy 1G (CMD1G). Identifiers: Orphanet 154, MedGen C1858763, MONDO:0011400, OMIM 604145.

Allele frequency attached by ClinVar (database versions not stated): gnomAD 0.00002; TOPMed 0.00002; gnomAD exomes below 0.00001 and 0.00001.

Submissions (8):

PreventionGenetics, part of Exact Sciences
Classification: Uncertain significance for TTN-related condition. Last evaluated: 2026-07-24. Review status: criteria provided, single submitter. Criteria: ACMG Guidelines, 2015. Collection method: clinical testing. Allele origin: germline.
Comment: The TTN c.75977A>G variant is predicted to result in the amino acid substitution p.Glu25326Gly. To our knowledge, this variant has not been reported in the literature. This variant is reported in 0.00089% of alleles in individuals of European (Non-Finnish) descent in gnomAD. At this time, the clinical significance of this variant is uncertain due to the absence of conclusive functional and genetic evidence.

Women's Health and Genetics/Laboratory Corporation of America, LabCorp
Classification: Uncertain significance. Last evaluated: 2025-06-10. Review status: criteria provided, single submitter. Criteria: LabCorp Variant Classification Summary - May 2015. Collection method: clinical testing. Allele origin: germline.
Comment: Variant summary: TTN c.68273A>G (p.Glu22758Gly) results in a non-conservative amino acid change in the encoded protein sequence. Algorithms developed to predict the effect of missense changes on protein structure and function are either unavailable or do not agree on the potential impact of this missense change. The variant allele was found at a frequency of 4e-06 in 248040 control chromosomes. The available data on variant occurrences in the general population are insufficient to allow any conclusion about variant significance. To our knowledge, no occurrence of c.68273A>G in individuals affected with Autosomal Recessive Titinopathy and no experimental evidence demonstrating its impact on protein function have been reported. ClinVar contains an entry for this variant (Variation ID: 894582). Based on the evidence outlined above, the variant was classified as uncertain significance.

Revvity Omics, Revvity
Classification: Uncertain significance. Last evaluated: 2019-11-15. Review status: criteria provided, single submitter. Criteria: ACMG Guidelines, 2015. Collection method: clinical testing. Allele origin: germline.

Illumina Laboratory Services, Illumina
Classification: Uncertain significance for Early-onset myopathy with fatal cardiomyopathy. Last evaluated: 2018-01-12. Review status: criteria provided, single submitter. Criteria: ICSL Variant Classification Criteria 13 December 2019. Collection method: clinical testing. Allele origin: germline.

Illumina Laboratory Services, Illumina
Classification: Uncertain significance for Tibial muscular dystrophy. Last evaluated: 2018-01-12. Review status: criteria provided, single submitter. Criteria: ICSL Variant Classification Criteria 13 December 2019. Collection method: clinical testing. Allele origin: germline.

Illumina Laboratory Services, Illumina
Classification: Uncertain significance for Dilated cardiomyopathy 1G. Last evaluated: 2018-01-12. Review status: criteria provided, single submitter. Criteria: ICSL Variant Classification Criteria 13 December 2019. Collection method: clinical testing. Allele origin: germline.

Illumina Laboratory Services, Illumina
Classification: Uncertain significance for Myopathy, myofibrillar, 9, with early respiratory failure. Last evaluated: 2018-01-12. Review status: criteria provided, single submitter. Criteria: ICSL Variant Classification Criteria 13 December 2019. Collection method: clinical testing. Allele origin: germline.

Illumina Laboratory Services, Illumina
Classification: Uncertain significance for Autosomal recessive limb-girdle muscular dystrophy type 2J. Last evaluated: 2018-01-12. Review status: criteria provided, single submitter. Criteria: ICSL Variant Classification Criteria 13 December 2019. Collection method: clinical testing. Allele origin: germline.